The following is an entry in ClinVar:

NM_000540.3(RYR1):c.6880G>A (p.Asp2294Asn)

Gene: RYR1 (ryanodine receptor 1; plus strand). Cytogenetic location: 19q13.2.
Variant type: single nucleotide variant.
Coding change: c.6880G>A on transcript NM_000540.3 (MANE Select); coding-DNA position 6880, G replaced by A.
Protein change: p.Asp2294Asn; replaces aspartic acid 2294 with asparagine.
Molecular consequence: missense variant.
Genome position (GRCh38, 1-based): chr19:38,496,943, G>A. VCF-style: chr19-38496943-G-A. GRCh37 (hg19) VCF-style: chr19-38987583-G-A.
Other names: c.6880G>A, p.Asp2294Asn (NM_001042723.2); short protein forms D2294N.
Identifiers: ClinVar variation 2706625 (VCV002706625.3), dbSNP rs1600810918, ClinGen allele CA405666638.

ClinVar aggregate classification (germline): Uncertain significance (1 of 4 stars; one submission).

Conditions:
RYR1-related disorder. Also called: RYR1-related condition; RYR1-related disorders. Identifiers: MedGen CN239331.

Allele frequency attached by ClinVar (database versions not stated): gnomAD exomes below 0.00001.
gnomAD v4.1: 1 of 1,613,492 alleles (0.000062%); highest among the groups gnomAD compares: Non-Finnish European, 0.000085%; no homozygotes.

Submission:

Labcorp Genetics (formerly Invitae), Labcorp
Classification: Uncertain significance for RYR1-related disorder. Last evaluated: 2023-12-30. Review status: criteria provided, single submitter. Criteria: Invitae Variant Classification Sherloc (09022015). Collection method: clinical testing. Allele origin: germline.
Comment: This sequence change replaces aspartic acid, which is acidic and polar, with asparagine, which is neutral and polar, at codon 2294 of the RYR1 protein (p.Asp2294Asn). This variant is not present in population databases (gnomAD no frequency). This variant has not been reported in the literature in individuals affected with RYR1-related conditions. Advanced modeling of protein sequence and biophysical properties (such as structural, functional, and spatial information, amino acid conservation, physicochemical variation, residue mobility, and thermodynamic stability) has been performed at Invitae for this missense variant, however the output from this modeling did not meet the statistical confidence thresholds required to predict the impact of this variant on RYR1 protein function. In summary, the available evidence is currently insufficient to determine the role of this variant in disease. Therefore, it has been classified as a Variant of Uncertain Significance.